The following is an entry in ClinVar:

NM_004385.5(VCAN):c.4891T>G (p.Ser1631Ala)

Genes: VCAN-AS1 (VCAN antisense RNA 1; minus strand), VCAN (versican; plus strand). Cytogenetic location: 5q14.3.
Variant type: single nucleotide variant.
Coding change: c.4891T>G on transcript NM_004385.5 (MANE Select); coding-DNA position 4891, T replaced by G.
Protein change: p.Ser1631Ala; replaces serine 1631 with alanine.
Molecular consequence: missense variant. On other transcripts: intron variant (2).
Genome position (GRCh38, 1-based): chr5:83,537,894, T>G. VCF-style: chr5-83537894-T-G. GRCh37 (hg19) VCF-style: chr5-82833713-T-G.
Other names: c.1930T>G, p.Ser644Ala (NM_001164097.2); c.4004-7643T>G (NM_001164098.2); c.1043-7643T>G (NM_001126336.3); short protein forms S644A, S1631A.
Identifiers: ClinVar variation 3722801 (VCV003722801.2).

ClinVar aggregate classification (germline): Uncertain significance (1 of 4 stars; one submission).

gnomAD v4.1: 1 of 1,613,972 alleles (0.000062%); no homozygotes.

Submission:

Labcorp Genetics (formerly Invitae), Labcorp
Classification: Uncertain significance. Last evaluated: 2024-10-19. Review status: criteria provided, single submitter. Criteria: Invitae Variant Classification Sherloc (09022015). Collection method: clinical testing. Allele origin: germline.
Comment: This sequence change replaces serine, which is neutral and polar, with alanine, which is neutral and non-polar, at codon 1631 of the VCAN protein (p.Ser1631Ala). This variant is not present in population databases (gnomAD no frequency). This variant has not been reported in the literature in individuals affected with VCAN-related conditions. An algorithm developed to predict the effect of missense changes on protein structure and function (PolyPhen-2) suggests that this variant is likely to be tolerated. In summary, the available evidence is currently insufficient to determine the role of this variant in disease. Therefore, it has been classified as a Variant of Uncertain Significance.